The following is an entry in ClinVar:

NM_003742.4(ABCB11):c.2620T>C (p.Ser874Pro)

Genes: ABCB11 (ATP binding cassette subfamily B member 11; minus strand), LOC126806400 (CDK7 strongly-dependent group 2 enhancer GRCh37_chr2:169791870-169793069; plus strand). Cytogenetic location: 2q31.1.
Variant type: single nucleotide variant.
Coding change: c.2620T>C on transcript NM_003742.4 (MANE Select); coding-DNA position 2620, T replaced by C.
Protein change: p.Ser874Pro; replaces serine 874 with proline.
Molecular consequence: missense variant.
Genome position (GRCh38, 1-based): chr2:168,936,424, A>G on the plus strand (T>C on the coding strand, the complement: ABCB11 is on the minus strand). VCF-style: chr2-168936424-A-G. GRCh37 (hg19) VCF-style: chr2-169792934-A-G.
Other names: p.Ser874Pro; c.2620T>C (NM_003742.2); short protein forms S874P.
Identifiers: ClinVar variation 1593063 (VCV001593063.14), dbSNP rs184334834, ClinGen allele CA1951221.

ClinVar aggregate classification (germline): Conflicting classifications of pathogenicity. Review status: criteria provided, conflicting classifications (1 of 4 stars). 5 submissions from 5 submitters: Uncertain significance (4); Likely benign (1). Last evaluated 2026-07-01.

Conditions:
ABCB11-related disorder. Also called: ABCB11-related condition.
Familial intrahepatic cholestasis. Identifiers: Orphanet 284385, MedGen CN296401, MONDO:0017290.

Allele frequency attached by ClinVar (database versions not stated): ExAC 0.00004; gnomAD exomes 0.00004 and 0.00015; gnomAD 0.00030; TOPMed 0.00035; 1000 Genomes Project 30x 0.00047; 1000 Genomes Project 0.00060.
gnomAD v4.1: 97 of 1,613,948 alleles (0.006%); highest among the groups gnomAD compares: Admixed American, 0.16%; no homozygotes.

Submissions (5):

PreventionGenetics, part of Exact Sciences
Classification: Uncertain significance for ABCB11-related condition. Last evaluated: 2026-07-01. Review status: criteria provided, single submitter. Criteria: ACMG Guidelines, 2015. Collection method: clinical testing. Allele origin: germline.
Comment: The ABCB11 c.2620T>C variant is predicted to result in the amino acid substitution p.Ser874Pro. To our knowledge, this variant has not been reported in the literature in association with disease. This variant is reported in 0.10% of alleles in individuals of Latino descent in gnomAD, which may be too frequent to be a primary cause of disease. Although we suspect that this variant may be benign, at this time, the clinical significance of this variant is uncertain due to the absence of conclusive functional and genetic evidence.

Genomenon, Inc
Classification: Uncertain significance for Familial intrahepatic cholestasis. Last evaluated: 2026-04-14. Review status: criteria provided, single submitter. Criteria: Genomenon Sequence Variant Interpretation Standards - Updated. Collection method: curation. Allele origin: germline. Affected: no.
Comment: ABCB11 p.Ser874Pro (c.2620T>C) is a missense variant that changes the amino acid at residue 874 from Serine to Proline. This variant has been reported in the published literature (PMID:22795478). In conclusion, we classify ABCB11 p.Ser874Pro (c.2620T>C) as a variant of uncertain significance.

Labcorp Genetics (formerly Invitae), Labcorp
Classification: Likely benign. Last evaluated: 2024-03-22. Review status: criteria provided, single submitter. Criteria: Invitae Variant Classification Sherloc (09022015). Collection method: clinical testing. Allele origin: germline.

Mayo Clinic Laboratories, Mayo Clinic
Classification: Uncertain significance. Last evaluated: 2022-02-09. Review status: criteria provided, single submitter. Criteria: ACMG Guidelines, 2015. Collection method: clinical testing. Allele origin: germline. Observed: 1 variant allele.

Revvity Omics, Revvity
Classification: Uncertain significance. Last evaluated: 2020-09-04. Review status: criteria provided, single submitter. Criteria: ACMG Guidelines, 2015. Collection method: clinical testing. Allele origin: germline.

Literature cited by the submitters: PubMed 22795478 (cited by Genomenon, Inc and Mayo Clinic Laboratories, Mayo Clinic).